The following is an entry in ClinVar:

NM_005896.4(IDH1):c.787G>C (p.Gly263Arg)

Gene: IDH1 (isocitrate dehydrogenase (NADP(+)) 1; minus strand). Cytogenetic location: 2q34.
Variant type: single nucleotide variant.
Coding change: c.787G>C on transcript NM_005896.4 (MANE Select); coding-DNA position 787, G replaced by C.
Protein change: p.Gly263Arg; replaces glycine 263 with arginine.
Molecular consequence: missense variant.
Genome position (GRCh38, 1-based): chr2:208,242,057, C>G on the plus strand (G>C on the coding strand, the complement: IDH1 is on the minus strand). VCF-style: chr2-208242057-C-G. GRCh37 (hg19) VCF-style: chr2-209106781-C-G.
Other names: c.787G>C, p.Gly263Arg (NM_001282386.1, NM_001282387.1); short protein forms G263R.
Identifiers: ClinVar variation 3527514 (VCV003527514.1).

ClinVar aggregate classification (germline): Uncertain significance (1 of 4 stars; one submission).

gnomAD v4.1: 1 of 1,613,370 alleles (0.000062%); no homozygotes.

Submission:

Ambry Genetics
Classification: Uncertain significance. Last evaluated: 2024-09-30. Review status: criteria provided, single submitter. Criteria: Ambry Variant Classification Scheme 2023. Collection method: clinical testing. Allele origin: germline.
Comment: The p.G263R variant (also known as c.787G>C), located in coding exon 5 of the IDH1 gene, results from a G to C substitution at nucleotide position 787. The glycine at codon 263 is replaced by arginine, an amino acid with dissimilar properties. This amino acid position is conserved. In addition, this alteration is predicted to be deleterious by in silico analysis. Based on the available evidence, the clinical significance of this variant remains unclear.